The following is an entry in ClinVar:

ClinVar aggregate classification (germline): Uncertain significance (1 of 4 stars; one submission).

gnomAD v4.1: 3 of 1,614,208 alleles (0.00019%); highest among the groups gnomAD compares: African/African-American, 0.0013%; no homozygotes.

Submission:

Ambry Genetics
Classification: Uncertain significance. Last evaluated: 2022-10-02. Review status: criteria provided, single submitter. Criteria: Ambry Variant Classification Scheme 2023. Collection method: clinical testing. Allele origin: germline.
Comment: The p.R1283S variant (also known as c.3849A>T), located in coding exon 30 of the A2ML1 gene, results from an A to T substitution at nucleotide position 3849. The arginine at codon 1283 is replaced by serine, an amino acid with dissimilar properties. This amino acid position is conserved. In addition, this alteration is predicted to be tolerated by in silico analysis. Since supporting evidence is limited at this time, the clinical significance of this alteration remains unclear.

NM_144670.6(A2ML1):c.3849A>T (p.Arg1283Ser)

Gene: A2ML1 (alpha-2-macroglobulin like 1; plus strand). Cytogenetic location: 12p13.31.
Variant type: single nucleotide variant.
Coding change: c.3849A>T on transcript NM_144670.6 (MANE Select); coding-DNA position 3849, A replaced by T.
Protein change: p.Arg1283Ser; replaces arginine 1283 with serine.
Molecular consequence: missense variant.
Genome position (GRCh38, 1-based): chr12:8,867,973, A>T. VCF-style: chr12-8867973-A-T. GRCh37 (hg19) VCF-style: chr12-9020569-A-T.
Other names: c.2376A>T, p.Arg792Ser (NM_001282424.3); short protein forms R1283S, R792S.
Identifiers: ClinVar variation 1735484 (VCV001735484.2), dbSNP rs751569588, ClinGen allele CA383844159.